The following is an entry in ClinVar:

ClinVar aggregate classification (germline): Uncertain significance (1 of 4 stars; one submission).

Conditions:
Immunodeficiency 39 (IMD39). Identifiers: Orphanet 574918, MedGen C4225358, MONDO:0014597, OMIM 616345.

Allele frequency attached by ClinVar (database versions not stated): gnomAD exomes 0.00001; ESP Exome Variant Server 0.00008.
gnomAD v4.1: 13 of 1,612,648 alleles (0.00081%); highest among the groups gnomAD compares: African/African-American, 0.0013%; no homozygotes.

Submissions (2):

Labcorp Genetics (formerly Invitae), Labcorp
Classification: Uncertain significance for Immunodeficiency 39. Last evaluated: 2023-01-17. Review status: criteria provided, single submitter. Criteria: Invitae Variant Classification Sherloc (09022015). Collection method: clinical testing. Allele origin: germline.
Comment: In summary, the available evidence is currently insufficient to determine the role of this variant in disease. Therefore, it has been classified as a Variant of Uncertain Significance. Algorithms developed to predict the effect of sequence changes on RNA splicing suggest that this variant may disrupt the consensus splice site. Algorithms developed to predict the effect of missense changes on protein structure and function are either unavailable or do not agree on the potential impact of this missense change (SIFT: "Deleterious"; PolyPhen-2: "Probably Damaging"; Align-GVGD: "Class C0"). ClinVar contains an entry for this variant (Variation ID: 1399891). This variant has not been reported in the literature in individuals affected with IRF7-related conditions. This variant is not present in population databases (gnomAD no frequency). This sequence change replaces lysine, which is basic and polar, with asparagine, which is neutral and polar, at codon 465 of the IRF7 protein (p.Lys465Asn).

Dr. Peter K. Rogan Lab, Western University
No classification provided (evidence only). Condition: Glioma susceptibility 1. Review status: no classification provided. Collection method: in vitro. Allele origin: not applicable. Functional consequence: skipped exon. Not counted in ClinVar's aggregate classification.

NM_001572.5(IRF7):c.1356G>C (p.Lys452Asn)

Gene: IRF7 (interferon regulatory factor 7; minus strand). Cytogenetic location: 11p15.5.
Variant type: single nucleotide variant.
Coding change: c.1356G>C on transcript NM_001572.5 (MANE Select); coding-DNA position 1356, G replaced by C.
Protein change: p.Lys452Asn; replaces lysine 452 with asparagine.
Molecular consequence: missense variant.
Genome position (GRCh38, 1-based): chr11:612,999, C>G on the plus strand (G>C on the coding strand, the complement: IRF7 is on the minus strand). VCF-style: chr11-612999-C-G. GRCh37 (hg19) VCF-style: chr11-612999-C-G.
Other names: c.1269G>C, p.Lys423Asn (NM_004029.4); c.1395G>C, p.Lys465Asn (NM_004031.4); short protein forms K423N, K465N, K452N.
Identifiers: ClinVar variation 1399891 (VCV001399891.9), dbSNP rs200063173, ClinGen allele CA216908739.
Genomic context (GRCh38, chr11:612,999, plus strand): 5'-TCAGGCGTCTGTCAGTGGGCCTGAGCACATGGCCTCCCCTCCTTGAGGCTCTGGTCTCAC[C>G]TTCACCAGGACCAGGCTCTTCTCCTTGGGCCTCCCAGCTGACAGGTCCTGCCCGAAGCCC-3'
Protein context (NP_001563.2, residues 442-462): RPKEKSLVLV[Lys452Asn]LEPWLCRVHL